The following is an entry in ClinVar:

NM_003749.3(IRS2):c.30C>G (p.Pro10=)

Gene: IRS2 (insulin receptor substrate 2; minus strand). Cytogenetic location: 13q34.
Variant type: single nucleotide variant.
Coding change: c.30C>G on transcript NM_003749.3 (MANE Select); coding-DNA position 30, C replaced by G.
Protein change: p.Pro10=; no amino-acid change (proline 10 retained).
Molecular consequence: synonymous variant.
Genome position (GRCh38, 1-based): chr13:109,786,024, G>C on the plus strand (C>G on the coding strand, the complement: IRS2 is on the minus strand). VCF-style: chr13-109786024-G-C. GRCh37 (hg19) VCF-style: chr13-110438371-G-C.
Identifiers: ClinVar variation 2643934 (VCV002643934.24), dbSNP rs771264370, ClinGen allele CA7046722.

ClinVar aggregate classification (germline): Likely benign (1 of 4 stars; one submission).

Allele frequency attached by ClinVar (database versions not stated): 1000 Genomes Project 30x 0.00016; gnomAD 0.00022; TOPMed 0.00025; ExAC 0.00033.
gnomAD v4.1: 267 of 1,367,600 alleles (0.02%); highest among the groups gnomAD compares: Middle Eastern, 0.043%; no homozygotes.

Submission:

CeGaT Center for Human Genetics Tuebingen
Classification: Likely benign. Last evaluated: 2023-04-01. Review status: criteria provided, single submitter. Criteria: CeGaT Center For Human Genetics Tuebingen Variant Classification Criteria Version 2. Collection method: clinical testing. Allele origin: germline. Affected: yes. Observed: 1 variant allele.
Comment: IRS2: BP4, BP7